The following is an entry in ClinVar:

NM_005618.4(DLL1):c.823A>C (p.Asn275His)

Gene: DLL1 (delta like canonical Notch ligand 1; minus strand). Cytogenetic location: 6q27.
Variant type: single nucleotide variant.
Coding change: c.823A>C on transcript NM_005618.4 (MANE Select); coding-DNA position 823, A replaced by C.
Protein change: p.Asn275His; replaces asparagine 275 with histidine.
Molecular consequence: missense variant.
Genome position (GRCh38, 1-based): chr6:170,285,608, T>G on the plus strand (A>C on the coding strand, the complement: DLL1 is on the minus strand). VCF-style: chr6-170285608-T-G. GRCh37 (hg19) VCF-style: chr6-170594696-T-G.
Other names: short protein forms N275H.
Identifiers: ClinVar variation 4975176 (VCV004975176.1).

ClinVar aggregate classification (germline): Uncertain significance (1 of 4 stars; one submission).

Submission:

GeneDx
Classification: Uncertain significance. Last evaluated: 2026-02-05. Review status: criteria provided, single submitter. Criteria: GeneDx Variant Classification Process June 2021. Collection method: clinical testing. Allele origin: germline.
Comment: Not observed at significant frequency in large population cohorts (gnomAD); In silico analysis supports that this missense variant has a deleterious effect on protein structure/function; Has not been previously published as pathogenic or benign to our knowledge